The following is an entry in ClinVar:

NM_000059.4(BRCA2):c.4477_4478del (p.Glu1493fs)

Gene: BRCA2 (BRCA2 DNA repair associated; plus strand). Cytogenetic location: 13q13.1.
Variant type: Deletion.
Coding change: c.4477_4478del on transcript NM_000059.4 (MANE Select); coding-DNA positions 4477 to 4478, 2 bases deleted (GA; older notation c.4477_4478delGA).
Protein change: p.Glu1493fs; shifts the reading frame from glutamic acid 1493.
Molecular consequence: frameshift variant.
Genome position (GRCh38, 1-based): chr13:32,338,832-32,338,833, GA deleted; deleting any 2 consecutive bases within chr13:32,338,831-32,338,833 gives the same sequence; the c. name uses the placement nearest the transcript's 3' end. VCF-style (leftmost placement, unchanged base first): chr13-32338830-AAG-A. GRCh37 (hg19) VCF-style: chr13-32912967-AAG-A.
Other names: c.4477_4478delGA (NM_000059.3); short protein forms E1493fs.
Identifiers: ClinVar variation 187125 (VCV000187125.19), dbSNP rs786203492, ClinGen allele CA020240.

ClinVar aggregate classification (germline): Pathogenic. Review status: reviewed by expert panel (3 of 4 stars). 4 submissions from 4 submitters: Pathogenic (1). 3 of the submissions do not count toward it. Last evaluated 2016-09-08.

Conditions:
Hereditary breast ovarian cancer syndrome. Also called: Hereditary breast and ovarian cancer; Hereditary breast and ovarian cancer syndrome; Breast and ovarian cancer; Hereditary breast and ovarian cancer syndrome (HBOC); Hereditary breast and/or ovarian cancer syndrome; BRCA1- and BRCA2-Associated Hereditary Breast and Ovarian Cancer. Identifiers: Orphanet 145, MedGen C0677776, MeSH D061325, MONDO:0003582. Disease mechanism: loss of function.
Hereditary cancer-predisposing syndrome. Also called: Hereditary Cancer Syndrome; Neoplastic Syndromes, Hereditary; Tumor predisposition; Hereditary neoplastic syndrome. Identifiers: Orphanet 140162, MedGen C0027672, MeSH D009386, MONDO:0015356.
Breast-ovarian cancer, familial, susceptibility to, 2 (BROVCA2). Also called: BRCA2 Hereditary Breast and Ovarian Cancer. Identifiers: Orphanet 145, MedGen C2675520, MONDO:0012933, OMIM 612555. Disease mechanism: loss of function.

Submissions (4):

Evidence-based Network for the Interpretation of Germline Mutant Alleles (ENIGMA)
Classification: Pathogenic for Breast-ovarian cancer, familial, susceptibility to, 2. Last evaluated: 2016-09-08. Review status: reviewed by expert panel. Criteria: ENIGMA BRCA1/2 Classification Criteria (2015). Collection method: curation. Allele origin: germline.
Comment: Variant allele predicted to encode a truncated non-functional protein.

Ambry Genetics
Classification: Pathogenic for Hereditary cancer-predisposing syndrome. Last evaluated: 2024-03-22. Review status: criteria provided, single submitter. Criteria: Ambry Variant Classification Scheme 2023. Collection method: clinical testing. Allele origin: germline. Not counted in ClinVar's aggregate classification.
Comment: The c.4477_4478delGA pathogenic mutation, located in coding exon 10 of the BRCA2 gene, results from a deletion of two nucleotides at nucleotide positions 4477 to 4478, causing a translational frameshift with a predicted alternate stop codon (p.E1493Kfs*20). This alteration is expected to result in loss of function by premature protein truncation or nonsense-mediated mRNA decay. This variant is considered to be rare based on population cohorts in the Genome Aggregation Database (gnomAD). As such, this alteration is interpreted as a disease-causing mutation.

Labcorp Genetics (formerly Invitae), Labcorp
Classification: Pathogenic for Hereditary breast ovarian cancer syndrome. Last evaluated: 2024-03-12. Review status: criteria provided, single submitter. Criteria: Invitae Variant Classification Sherloc (09022015). Collection method: clinical testing. Allele origin: germline. Not counted in ClinVar's aggregate classification.
Comment: This sequence change creates a premature translational stop signal (p.Glu1493Lysfs*20) in the BRCA2 gene. It is expected to result in an absent or disrupted protein product. Loss-of-function variants in BRCA2 are known to be pathogenic (PMID: 20104584). This variant is not present in population databases (gnomAD no frequency). This premature translational stop signal has been observed in individual(s) with BRCA2-related conditions (PMID: 21520333). ClinVar contains an entry for this variant (Variation ID: 187125). For these reasons, this variant has been classified as Pathogenic.

Revvity Omics, Revvity
Classification: Likely pathogenic. Last evaluated: 2022-05-10. Review status: criteria provided, single submitter. Criteria: ACMG Guidelines, 2015. Collection method: clinical testing. Allele origin: germline. Not counted in ClinVar's aggregate classification.

Literature cited by the submitters: PubMed 20104584 (cited by Labcorp Genetics (formerly Invitae), Labcorp); PubMed 21520333 (cited by Labcorp Genetics (formerly Invitae), Labcorp).